The following is an entry in ClinVar:

NM_032638.5(GATA2):c.121C>A (p.Pro41Thr)

Gene: GATA2 (GATA binding protein 2; minus strand). Cytogenetic location: 3q21.3.
Variant type: single nucleotide variant.
Coding change: c.121C>A on transcript NM_032638.5 (MANE Select); coding-DNA position 121, C replaced by A.
Protein change: p.Pro41Thr; replaces proline 41 with threonine.
Molecular consequence: missense variant.
Genome position (GRCh38, 1-based): chr3:128,486,911, G>T on the plus strand (C>A on the coding strand, the complement: GATA2 is on the minus strand). VCF-style: chr3-128486911-G-T. GRCh37 (hg19) VCF-style: chr3-128205754-G-T.
Other names: c.121C>A, p.Pro41Thr (NM_001145661.2, NM_001145662.1); short protein forms P41T.
Identifiers: ClinVar variation 1907742 (VCV001907742.5), dbSNP rs143590990, ClinGen allele CA354408803.

ClinVar aggregate classification (germline): Uncertain significance (1 of 4 stars; one submission).

Conditions:
Deafness-lymphedema-leukemia syndrome. Also called: Emberger syndrome; Lymphedema, primary, with myelodysplasia. Identifiers: Orphanet 3226, MedGen C3279664, MONDO:0013540, OMIM 614038.
Monocytopenia with susceptibility to infections. Also called: GATA2 DEFICIENCY; MONOCYTOPENIA AND MYCOBACTERIAL INFECTION SYNDROME; MONOCYTOPENIA WITH SUSCEPTIBILITY TO MYCOBACTERIAL, FUNGAL, AND PAPILLOMAVIRUS INFECTIONS AND MYELODYSPLASIA; COMBINED IMMUNODEFICIENCY WITH SUSCEPTIBILITY TO MYCOBACTERIAL, VIRAL, AND FUNGAL INFECTIONS; Dendritic cell, monocyte, B lymphocyte, and natural killer lymphocyte deficiency; IMMUNODEFICIENCY 21. Identifiers: Orphanet 228423, MedGen C3280030, MONDO:0013607, OMIM 614172.

Submission:

Labcorp Genetics (formerly Invitae), Labcorp
Classification: Uncertain significance for Monocytopenia with susceptibility to infections; Deafness-lymphedema-leukemia syndrome. Last evaluated: 2022-07-01. Review status: criteria provided, single submitter. Criteria: Invitae Variant Classification Sherloc (09022015). Collection method: clinical testing. Allele origin: germline.
Comment: In summary, the available evidence is currently insufficient to determine the role of this variant in disease. Therefore, it has been classified as a Variant of Uncertain Significance. Advanced modeling of protein sequence and biophysical properties (such as structural, functional, and spatial information, amino acid conservation, physicochemical variation, residue mobility, and thermodynamic stability) performed at Invitae indicates that this missense variant is not expected to disrupt GATA2 protein function. This variant has not been reported in the literature in individuals affected with GATA2-related conditions. This variant is not present in population databases (gnomAD no frequency). This sequence change replaces proline, which is neutral and non-polar, with threonine, which is neutral and polar, at codon 41 of the GATA2 protein (p.Pro41Thr).